The following is an entry in ClinVar:

NM_000466.3(PEX1):c.3250A>G (p.Met1084Val)

Genes: GATAD1 (GATA zinc finger domain containing 1; plus strand), PEX1 (peroxisomal biogenesis factor 1; minus strand). Cytogenetic location: 7q21.2.
Variant type: single nucleotide variant.
Coding change: c.3250A>G on transcript NM_000466.3 (MANE Select); coding-DNA position 3250, A replaced by G.
Protein change: p.Met1084Val; replaces methionine 1084 with valine.
Molecular consequence: missense variant.
Genome position (GRCh38, 1-based): chr7:92,491,460, T>C on the plus strand (A>G on the coding strand, the complement: PEX1 is on the minus strand). VCF-style: chr7-92491460-T-C. GRCh37 (hg19) VCF-style: chr7-92120774-T-C.
Other names: c.3079A>G, p.Met1027Val (NM_001282677.2); c.2626A>G, p.Met876Val (NM_001282678.2); short protein forms M1084V, M1027V, M876V.
Identifiers: ClinVar variation 360916 (VCV000360916.15), dbSNP rs781277635, ClinGen allele CA4340861.

ClinVar aggregate classification (germline): Conflicting classifications of pathogenicity. Review status: criteria provided, conflicting classifications (1 of 4 stars). 5 submissions from 5 submitters: Uncertain significance (3); Likely benign (1). 1 of the submissions does not count toward it. Last evaluated 2026-01-20.

Conditions:
PEX1-related disorder. Also called: PEX1-related condition.
Zellweger spectrum disorders (ZS). Also called: Zellweger syndrome; Zellweger Spectrum Disorder (ZSD); Zellweger Spectrum Disorder; Zellweger Spectrum. Identifiers: Orphanet 912, MedGen C0043459, MONDO:0019609.
Peroxisome biogenesis disorder 1A (Zellweger) (PBD1A). Also called: Zellweger leukodystrophy; Peroxisome biogenesis disorder 1a. Identifiers: MedGen C4721541, MONDO:0008953, OMIM 214100.

Allele frequency attached by ClinVar (database versions not stated): TOPMed 0.00009; gnomAD 0.00012 and 0.00014.
gnomAD v4.1: 113 of 1,613,592 alleles (0.007%); highest among the groups gnomAD compares: Admixed American, 0.027%; no homozygotes.

Submissions (5):

Labcorp Genetics (formerly Invitae), Labcorp
Classification: Likely benign for Zellweger spectrum disorders. Last evaluated: 2026-01-20. Review status: criteria provided, single submitter. Criteria: Invitae Variant Classification Sherloc (09022015). Collection method: clinical testing. Allele origin: germline.

Blueprint Genetics
Classification: Uncertain significance. Last evaluated: 2024-10-08. Review status: criteria provided, single submitter. Criteria: ACMG Guidelines, 2015. Collection method: clinical testing. Allele origin: germline.

Illumina Laboratory Services, Illumina
Classification: Uncertain significance for Peroxisome biogenesis disorder 1A (Zellweger). Last evaluated: 2018-01-12. Review status: criteria provided, single submitter. Criteria: ICSL Variant Classification Criteria 13 December 2019. Collection method: clinical testing. Allele origin: germline.

Eurofins Ntd Llc (ga)
Classification: Uncertain significance. Last evaluated: 2017-09-07. Review status: criteria provided, single submitter. Criteria: EGL Classification Definitions 2015. Collection method: clinical testing. Allele origin: germline. Observed: 1 variant allele, 1 heterozygote.

PreventionGenetics, part of Exact Sciences
Classification: Uncertain significance for PEX1-related condition. Last evaluated: 2024-06-21. Review status: no assertion criteria provided. Collection method: clinical testing. Allele origin: germline. Not counted in ClinVar's aggregate classification.
Comment: The PEX1 c.3250A>G variant is predicted to result in the amino acid substitution p.Met1084Val. This variant has been reported in a family with early-onset high myopia (Table 3. González-Iglesias et al 2022. PubMed ID: 35457050). This variant is reported in 0.040% of alleles in individuals of African descent in gnomAD. At this time, the clinical significance of this variant is uncertain due to the absence of conclusive functional and genetic evidence.